The following is an entry in ClinVar:

ClinVar aggregate classification (germline): Uncertain significance (1 of 4 stars; one submission).

Submission:

GeneDx
Classification: Uncertain significance. Last evaluated: 2026-01-13. Review status: criteria provided, single submitter. Criteria: GeneDx Variant Classification Process June 2021. Collection method: clinical testing. Allele origin: germline.
Comment: Not observed at significant frequency in large population cohorts (gnomAD); In silico analysis supports that this missense variant has a deleterious effect on protein structure/function; Has not been previously published as pathogenic or benign to our knowledge

NM_025099.6(CTC1):c.911C>T (p.Ser304Phe)

Gene: CTC1 (CST telomere replication complex component 1; minus strand). Cytogenetic location: 17p13.1.
Variant type: single nucleotide variant.
Coding change: c.911C>T on transcript NM_025099.6 (MANE Select); coding-DNA position 911, C replaced by T.
Protein change: p.Ser304Phe; replaces serine 304 with phenylalanine.
Molecular consequence: missense variant. On other transcripts: non-coding transcript variant (1).
Genome position (GRCh38, 1-based): chr17:8,236,224, G>A on the plus strand (C>T on the coding strand, the complement: CTC1 is on the minus strand). VCF-style: chr17-8236224-G-A. GRCh37 (hg19) VCF-style: chr17-8139542-G-A.
Other names: c.911C>T, p.Ser304Phe (NM_001411067.1); short protein forms S304F.
Identifiers: ClinVar variation 2663635 (VCV002663635.2), dbSNP rs1225861362, ClinGen allele CA397988565.
Genomic context (GRCh38, chr17:8,236,224, plus strand): 5'-CCTTCCAGCTCCAGTTCCAGCTCCTGCACACATTCTGGTTTCAGCAGCAACAGACGGGAG[G>A]ACTGACTGGTCATCCAAACATGCTGGCGCTGACCACGGATCTTGGACACTCGCAGTTCTG-3'
Protein context (NP_079375.3, residues 294-314): QRQHVWMTSQ[Ser304Phe]SRLLLLKPEC